The following is an entry in ClinVar:

NM_003036.4(SKI):c.538A>G (p.Thr180Ala)

Gene: SKI (SKI proto-oncogene; plus strand). Cytogenetic location: 1p36.33.
Variant type: single nucleotide variant.
Coding change: c.538A>G on transcript NM_003036.4 (MANE Select); coding-DNA position 538, A replaced by G.
Protein change: p.Thr180Ala; replaces threonine 180 with alanine.
Molecular consequence: missense variant.
Genome position (GRCh38, 1-based): chr1:2,229,304, A>G. VCF-style: chr1-2229304-A-G. GRCh37 (hg19) VCF-style: chr1-2160743-A-G.
Other names: short protein forms T180A.
Identifiers: ClinVar variation 3954891 (VCV003954891.1).
Genomic context (GRCh38, chr1:2,229,304, plus strand): 5'-ATCCTCAAAGTCATGGGCATCCTGCCCTTCTCGGCGCCCTCGTGCGGGCTCATCACCAAG[A>G]CGGACGCCGAGCGCCTGTGCAACGCGCTGCTCTACGGCGGCGCCTACCCGCCGCCCTGCA-3'
Protein context (NP_003027.1, residues 170-190): SAPSCGLITK[Thr180Ala]DAERLCNALL

ClinVar aggregate classification (germline): Uncertain significance (1 of 4 stars; one submission).

Conditions:
Familial thoracic aortic aneurysm and aortic dissection (TAAD). Also called: Thoracic aortic aneurysms and dissections. Identifiers: Orphanet 91387, MedGen C4707243, MONDO:0019625.

Submission:

Ambry Genetics
Classification: Uncertain significance for Familial thoracic aortic aneurysm and aortic dissection. Last evaluated: 2025-05-20. Review status: criteria provided, single submitter. Criteria: Ambry Variant Classification Scheme 2023. Collection method: clinical testing. Allele origin: germline.
Comment: The p.T180A variant (also known as c.538A>G), located in coding exon 1 of the SKI gene, results from an A to G substitution at nucleotide position 538. The threonine at codon 180 is replaced by alanine, an amino acid with similar properties. This amino acid position is highly conserved in available vertebrate species. In addition, the in silico prediction for this alteration is inconclusive. Based on the available evidence, the clinical significance of this variant remains unclear.